The following is an entry in ClinVar:

NM_000540.3(RYR1):c.1012A>T (p.Ile338Phe)

Gene: RYR1 (ryanodine receptor 1; plus strand). Cytogenetic location: 19q13.2.
Variant type: single nucleotide variant.
Coding change: c.1012A>T on transcript NM_000540.3 (MANE Select); coding-DNA position 1012, A replaced by T.
Protein change: p.Ile338Phe; replaces isoleucine 338 with phenylalanine.
Molecular consequence: missense variant.
Genome position (GRCh38, 1-based): chr19:38,448,703, A>T. VCF-style: chr19-38448703-A-T. GRCh37 (hg19) VCF-style: chr19-38939343-A-T.
Other names: c.1012A>T, p.Ile338Phe (NM_001042723.2); short protein forms I338F.
Identifiers: ClinVar variation 4074551 (VCV004074551.1).

ClinVar aggregate classification (germline): Uncertain significance (1 of 4 stars; one submission).

Submission:

GeneDx
Classification: Uncertain significance. Last evaluated: 2025-02-08. Review status: criteria provided, single submitter. Criteria: GeneDx Variant Classification Process June 2021. Collection method: clinical testing. Allele origin: germline. Affected: yes.
Comment: Not observed at significant frequency in large population cohorts (gnomAD); In silico analysis supports that this missense variant has a deleterious effect on protein structure/function; Has not been previously published as pathogenic or benign to our knowledge; This variant is associated with the following publications: (PMID: 33767344)